The following is an entry in ClinVar:

ClinVar aggregate classification (germline): Uncertain significance (1 of 4 stars; one submission).

Submission:

Greenwood Genetic Center Diagnostic Laboratories, Greenwood Genetic Center
Classification: Uncertain significance. Last evaluated: 2023-02-16. Review status: criteria provided, single submitter. Criteria: ACMG Guidelines, 2015. Collection method: clinical testing. Allele origin: germline. Affected: yes.
Comment: PVS1_Moderate, PM2

NM_018486.3(HDAC8):c.4G>T (p.Glu2Ter)

Gene: HDAC8 (histone deacetylase 8; minus strand). Cytogenetic location: Xq13.1.
Variant type: single nucleotide variant.
Coding change: c.4G>T on transcript NM_018486.3 (MANE Select); coding-DNA position 4, G replaced by T.
Protein change: p.Glu2Ter; replaces glutamic acid 2 with a stop codon.
Molecular consequence: nonsense. On other transcripts: non-coding transcript variant (1).
Genome position (GRCh38, 1-based): chrX:72,572,758, C>A on the plus strand (G>T on the coding strand, the complement: HDAC8 is on the minus strand). VCF-style: chrX-72572758-C-A. GRCh37 (hg19) VCF-style: chrX-71792608-C-A.
Other names: c.4G>T, p.Glu2Ter (NM_001166418.2, NM_001166419.2, NM_001166420.2 and 7 more transcripts); short protein forms E2*.
Identifiers: ClinVar variation 2505176 (VCV002505176.1), dbSNP rs1556167277, ClinGen allele CA413577734.